The following is an entry in ClinVar:

NM_002693.3(POLG):c.3233G>C (p.Cys1078Ser)

Gene: POLG (DNA polymerase gamma, catalytic subunit; minus strand). Cytogenetic location: 15q26.1.
Variant type: single nucleotide variant.
Coding change: c.3233G>C on transcript NM_002693.3 (MANE Select); coding-DNA position 3233, G replaced by C.
Protein change: p.Cys1078Ser; replaces cysteine 1078 with serine.
Molecular consequence: missense variant.
Genome position (GRCh38, 1-based): chr15:89,318,971, C>G on the plus strand (G>C on the coding strand, the complement: POLG is on the minus strand). VCF-style: chr15-89318971-C-G. GRCh37 (hg19) VCF-style: chr15-89862202-C-G.
Other names: c.3233G>C, p.Cys1078Ser (NM_001126131.2); short protein forms C1078S.
Identifiers: ClinVar variation 4768898 (VCV004768898.1).

ClinVar aggregate classification (germline): Uncertain significance (1 of 4 stars; one submission).

Conditions:
Progressive sclerosing poliodystrophy (MTDPS4A). Also called: Mitochondrial DNA depletion syndrome 4A (Alpers type); ALPERS DIFFUSE DEGENERATION OF CEREBRAL GRAY MATTER WITH HEPATIC CIRRHOSIS; Alpers-Huttenlocher Syndrome; Mitochondrial DNA Depletion Syndrome 4A; Alpers-Huttenlocher Syndrome (AHS); ALPERS PROGRESSIVE INFANTILE POLIODYSTROPHY. Identifiers: Orphanet 726, MedGen C0205710, MONDO:0008758, OMIM 203700.

gnomAD v4.1: 1 of 1,614,052 alleles (0.000062%); highest among the groups gnomAD compares: African/African-American, 0.0013%; no homozygotes.

Submission:

Labcorp Genetics (formerly Invitae), Labcorp
Classification: Uncertain significance for Progressive sclerosing poliodystrophy. Last evaluated: 2025-03-19. Review status: criteria provided, single submitter. Criteria: Invitae Variant Classification Sherloc (09022015). Collection method: clinical testing. Allele origin: germline.
Comment: This sequence change replaces cysteine, which is neutral and slightly polar, with serine, which is neutral and polar, at codon 1078 of the POLG protein (p.Cys1078Ser). This variant is present in population databases (rs758261459, gnomAD 0.004%). This variant has not been reported in the literature in individuals affected with POLG-related conditions. Invitae Evidence Modeling of protein sequence and biophysical properties (such as structural, functional, and spatial information, amino acid conservation, physicochemical variation, residue mobility, and thermodynamic stability) indicates that this missense variant is not expected to disrupt POLG protein function with a negative predictive value of 95%. In summary, the available evidence is currently insufficient to determine the role of this variant in disease. Therefore, it has been classified as a Variant of Uncertain Significance.